The following is an entry in ClinVar:

NM_000179.3(MSH6):c.3149del (p.Ala1050fs)

Gene: MSH6 (mutS homolog 6; plus strand). Cytogenetic location: 2p16.3.
Variant type: Deletion.
Coding change: c.3149del on transcript NM_000179.3 (MANE Select); coding-DNA position 3149, one base deleted (C; older notation c.3149delC).
Protein change: p.Ala1050fs; shifts the reading frame from alanine 1050.
Molecular consequence: frameshift variant.
Genome position (GRCh38, 1-based): chr2:47,801,132, C deleted. VCF-style (leftmost placement, unchanged base first): chr2-47801131-GC-G. GRCh37 (hg19) VCF-style: chr2-48028270-GC-G.
Other names: c.3149delC (NM_000179.2); c.2759del, p.Ala920fs (NM_001281492.2); c.2243del, p.Ala748fs (NM_001281493.2, NM_001281494.2); short protein forms A1050fs, A748fs, A920fs.
Identifiers: ClinVar variation 410405 (VCV000410405.8), dbSNP rs1060502882, ClinGen allele CA16611163.

ClinVar aggregate classification (germline): Pathogenic (1 of 4 stars; one submission).

Conditions:
Hereditary nonpolyposis colorectal neoplasms. Identifiers: MedGen C0009405, MeSH D003123.

Submission:

Labcorp Genetics (formerly Invitae), Labcorp
Classification: Pathogenic for Hereditary nonpolyposis colorectal neoplasms. Last evaluated: 2016-12-26. Review status: criteria provided, single submitter. Criteria: Invitae Variant Classification Sherloc (09022015). Collection method: clinical testing. Allele origin: germline.
Comment: This sequence change deletes 1 nucleotide from exon 4 of the MSH6 mRNA (c.3149delC), causing a frameshift at codon 1050. This creates a premature translational stop signal (p.Ala1050Valfs*2) and is expected to result in an absent or disrupted protein product. While this particular variant has not been reported in the literature, loss-of-function variants in MSH6 are known to be pathogenic (PMID: 24362816, 18269114). For these reasons, this variant has been classified as Pathogenic.

Literature cited by the submitters: PubMed 24362816; PubMed 18269114.